The following is an entry in ClinVar:

ClinVar aggregate classification (germline): Pathogenic (1 of 4 stars; one submission).

Conditions:
Infantile-onset ascending hereditary spastic paralysis (IAHSP). Also called: Autosomal Recessive Juvenile Amyotrophic Lateral Sclerosis; Infantile-Onset Ascending Hereditary Spastic Paralysis (IAHSP). Identifiers: Orphanet 293168, MedGen C2931441, MONDO:0011797, OMIM 607225. Disease mechanism: loss of function.

Submission:

Labcorp Genetics (formerly Invitae), Labcorp
Classification: Pathogenic for Infantile-onset ascending hereditary spastic paralysis. Last evaluated: 2022-11-12. Review status: criteria provided, single submitter. Criteria: Invitae Variant Classification Sherloc (09022015). Collection method: clinical testing. Allele origin: germline.
Comment: This sequence change creates a premature translational stop signal (Splice site) in the ALS2 gene. It is expected to result in an absent or disrupted protein product. Loss-of-function variants in ALS2 are known to be pathogenic (PMID: 11586298, 24315819). This variant is present in population databases (no rsID available, gnomAD 0.002%). This variant has not been reported in the literature in individuals affected with ALS2-related conditions. This variant is also known as c.4838+1del. ClinVar contains an entry for this variant (Variation ID: 947373). Algorithms developed to predict the effect of sequence changes on RNA splicing suggest that this variant may disrupt the consensus splice site. For these reasons, this variant has been classified as Pathogenic.

Literature cited by the submitters: PubMed 11586298; PubMed 24315819.

NM_020919.4(ALS2):c.4838+1del

Gene: ALS2 (alsin Rho guanine nucleotide exchange factor ALS2; minus strand). Cytogenetic location: 2q33.1.
Variant type: Deletion.
Coding change: c.4838+1del on transcript NM_020919.4 (MANE Select); the canonical splice donor site of the intron after coding-DNA position 4838, one base deleted (G; older notation c.4838+1delG).
Molecular consequence: splice donor variant.
Genome position (GRCh38, 1-based): chr2:201,704,453, C deleted on the plus strand (G on the coding strand, the reverse complement: ALS2 is on the minus strand); the first of 2 consecutive C bases (chr2:201,704,453-201,704,454); deleting either gives the same sequence. VCF-style (leftmost placement, unchanged base first): chr2-201704452-AC-A. GRCh37 (hg19) VCF-style: chr2-202569175-AC-A.
Other names: c.4835+1del (NM_001410975.1).
Identifiers: ClinVar variation 947373 (VCV000947373.8), dbSNP rs1167814155, ClinGen allele CA430667228.